The following is an entry in ClinVar:

NM_152383.5(DIS3L2):c.647G>A (p.Cys216Tyr)

Gene: DIS3L2 (DIS3 like 3'-5' exoribonuclease 2; plus strand). Cytogenetic location: 2q37.1.
Variant type: single nucleotide variant.
Coding change: c.647G>A on transcript NM_152383.5 (MANE Select); coding-DNA position 647, G replaced by A.
Protein change: p.Cys216Tyr; replaces cysteine 216 with tyrosine.
Molecular consequence: missense variant. On other transcripts: non-coding transcript variant (2).
Genome position (GRCh38, 1-based): chr2:232,130,664, G>A. VCF-style: chr2-232130664-G-A. GRCh37 (hg19) VCF-style: chr2-232995374-G-A.
Other names: c.647G>A, p.Cys216Tyr (NM_001257281.2, NM_001257282.2); short protein forms C216Y.
Identifiers: ClinVar variation 969666 (VCV000969666.9), dbSNP rs1698190063, ClinGen allele CA351153179.

ClinVar aggregate classification (germline): Uncertain significance (1 of 4 stars; one submission).

Conditions:
Perlman syndrome (PRLMNS). Identifiers: Orphanet 2849, MedGen C0796113, MONDO:0009965, OMIM 267000.

Submission:

Labcorp Genetics (formerly Invitae), Labcorp
Classification: Uncertain significance for Perlman syndrome. Last evaluated: 2022-12-07. Review status: criteria provided, single submitter. Criteria: Invitae Variant Classification Sherloc (09022015). Collection method: clinical testing. Allele origin: germline.
Comment: In summary, the available evidence is currently insufficient to determine the role of this variant in disease. Therefore, it has been classified as a Variant of Uncertain Significance. Algorithms developed to predict the effect of missense changes on protein structure and function (SIFT, PolyPhen-2, Align-GVGD) all suggest that this variant is likely to be tolerated. ClinVar contains an entry for this variant (Variation ID: 969666). This variant has not been reported in the literature in individuals affected with DIS3L2-related conditions. This variant is not present in population databases (gnomAD no frequency). This sequence change replaces cysteine, which is neutral and slightly polar, with tyrosine, which is neutral and polar, at codon 216 of the DIS3L2 protein (p.Cys216Tyr).